The following is an entry in ClinVar:

NM_001376.5(DYNC1H1):c.3016-6G>A

Gene: DYNC1H1 (dynein cytoplasmic 1 heavy chain 1; plus strand). Cytogenetic location: 14q32.31.
Variant type: single nucleotide variant.
Coding change: c.3016-6G>A on transcript NM_001376.5 (MANE Select); 6 bases into the intron before coding-DNA position 3016, G replaced by A.
Molecular consequence: intron variant.
Genome position (GRCh38, 1-based): chr14:101,994,178, G>A. VCF-style: chr14-101994178-G-A. GRCh37 (hg19) VCF-style: chr14-102460515-G-A.
Identifiers: ClinVar variation 1798854 (VCV001798854.2), dbSNP rs2503713103, ClinGen allele CA2580088379.

ClinVar aggregate classification (germline): Uncertain significance (1 of 4 stars; one submission).

Conditions:
Inborn genetic diseases. Identifiers: MedGen C0950123, MeSH D030342.

Allele frequency attached by ClinVar (database versions not stated): gnomAD exomes below 0.00001.
gnomAD v4.1: 1 of 1,614,098 alleles (0.000062%); highest among the groups gnomAD compares: Non-Finnish European, 0.000085%; no homozygotes.

Submission:

Ambry Genetics
Classification: Uncertain significance for Inborn genetic diseases. Last evaluated: 2021-05-08. Review status: criteria provided, single submitter. Criteria: Ambry Variant Classification Scheme 2023. Collection method: clinical testing. Allele origin: germline.
Comment: The c.3016-6G>A intronic variant results from a G to A substitution 6 nucleotides upstream from coding exon 12 in the DYNC1H1 gene. This nucleotide position is not well conserved in available vertebrate species. In silico splice site analysis predicts that this alteration will result in the creation or strengthening of a novel splice acceptor site. Since supporting evidence is limited at this time, the clinical significance of this alteration remains unclear.